The following is an entry in ClinVar:

ClinVar aggregate classification (germline): Uncertain significance (1 of 4 stars; one submission).

Conditions:
Adams-Oliver syndrome 5 (AOS5). Identifiers: Orphanet 974, MedGen C4014970, MONDO:0014459, OMIM 616028.

Submission:

Labcorp Genetics (formerly Invitae), Labcorp
Classification: Uncertain significance for Adams-Oliver syndrome 5. Last evaluated: 2023-03-18. Review status: criteria provided, single submitter. Criteria: Invitae Variant Classification Sherloc (09022015). Collection method: clinical testing. Allele origin: germline.
Comment: In summary, the available evidence is currently insufficient to determine the role of this variant in disease. Therefore, it has been classified as a Variant of Uncertain Significance. Advanced modeling of protein sequence and biophysical properties (such as structural, functional, and spatial information, amino acid conservation, physicochemical variation, residue mobility, and thermodynamic stability) performed at Invitae indicates that this missense variant is expected to disrupt NOTCH1 protein function. This variant has not been reported in the literature in individuals affected with NOTCH1-related conditions. This variant is not present in population databases (gnomAD no frequency). This sequence change replaces glycine, which is neutral and non-polar, with alanine, which is neutral and non-polar, at codon 1242 of the NOTCH1 protein (p.Gly1242Ala).

NM_017617.5(NOTCH1):c.3725G>C (p.Gly1242Ala)

Gene: NOTCH1 (notch receptor 1; minus strand). Cytogenetic location: 9q34.3.
Variant type: single nucleotide variant.
Coding change: c.3725G>C on transcript NM_017617.5 (MANE Select); coding-DNA position 3725, G replaced by C.
Protein change: p.Gly1242Ala; replaces glycine 1242 with alanine.
Molecular consequence: missense variant.
Genome position (GRCh38, 1-based): chr9:136,506,892, C>G on the plus strand (G>C on the coding strand, the complement: NOTCH1 is on the minus strand). VCF-style: chr9-136506892-C-G. GRCh37 (hg19) VCF-style: chr9-139401344-C-G.
Other names: short protein forms G1242A.
Identifiers: ClinVar variation 2847148 (VCV002847148.3), dbSNP rs2133343983, ClinGen allele CA375549474.